The following is an entry in ClinVar:

NM_000094.4(COL7A1):c.4943C>T (p.Pro1648Leu)

Gene: COL7A1 (collagen type VII alpha 1 chain; minus strand). Cytogenetic location: 3p21.31.
Variant type: single nucleotide variant.
Coding change: c.4943C>T on transcript NM_000094.4 (MANE Select); coding-DNA position 4943, C replaced by T.
Protein change: p.Pro1648Leu; replaces proline 1648 with leucine.
Molecular consequence: missense variant.
Genome position (GRCh38, 1-based): chr3:48,580,919, G>A on the plus strand (C>T on the coding strand, the complement: COL7A1 is on the minus strand). VCF-style: chr3-48580919-G-A. GRCh37 (hg19) VCF-style: chr3-48618352-G-A.
Other names: short protein forms P1648L.
Identifiers: ClinVar variation 2984492 (VCV002984492.4), dbSNP rs376111034, ClinGen allele CA2379756.

ClinVar aggregate classification (germline): Uncertain significance. Review status: criteria provided, multiple submitters, no conflicts (2 of 4 stars). 2 submissions from 2 submitters: Uncertain significance (2). Last evaluated 2025-11-05.

Conditions:
Inborn genetic diseases. Identifiers: MedGen C0950123, MeSH D030342.

Allele frequency attached by ClinVar (database versions not stated): gnomAD exomes below 0.00001; ExAC 0.00001; gnomAD 0.00001; ESP Exome Variant Server 0.00008.
gnomAD v4.1: 9 of 1,613,926 alleles (0.00056%); highest among the groups gnomAD compares: South Asian, 0.0022%; no homozygotes.

Submissions (2):

Ambry Genetics
Classification: Uncertain significance for Inborn genetic diseases. Last evaluated: 2025-11-05. Review status: criteria provided, single submitter. Criteria: Ambry Variant Classification Scheme 2023. Collection method: clinical testing. Allele origin: germline.

Labcorp Genetics (formerly Invitae), Labcorp
Classification: Uncertain significance. Last evaluated: 2023-10-16. Review status: criteria provided, single submitter. Criteria: Invitae Variant Classification Sherloc (09022015). Collection method: clinical testing. Allele origin: germline.
Comment: This sequence change replaces proline, which is neutral and non-polar, with leucine, which is neutral and non-polar, at codon 1648 of the COL7A1 protein (p.Pro1648Leu). This variant is present in population databases (rs376111034, gnomAD 0.003%). This variant has not been reported in the literature in individuals affected with COL7A1-related conditions. Advanced modeling of protein sequence and biophysical properties (such as structural, functional, and spatial information, amino acid conservation, physicochemical variation, residue mobility, and thermodynamic stability) has been performed at Invitae for this missense variant, however the output from this modeling did not meet the statistical confidence thresholds required to predict the impact of this variant on COL7A1 protein function. In summary, the available evidence is currently insufficient to determine the role of this variant in disease. Therefore, it has been classified as a Variant of Uncertain Significance.